The following is an entry in ClinVar:

ClinVar aggregate classification (germline): Conflicting classifications of pathogenicity. Review status: criteria provided, conflicting classifications (1 of 4 stars). 2 submissions from 2 submitters: Uncertain significance (1); Likely benign (1). Last evaluated 2025-03-05.

Conditions:
Inborn genetic diseases. Identifiers: MedGen C0950123, MeSH D030342.

Allele frequency attached by ClinVar (database versions not stated): ExAC 0.00002.
gnomAD v4.1: 18 of 1,613,726 alleles (0.0011%); highest among the groups gnomAD compares: Non-Finnish European, 0.0014%; no homozygotes.

Submissions (2):

Ambry Genetics
Classification: Likely benign for Inborn genetic diseases. Last evaluated: 2025-03-05. Review status: criteria provided, single submitter. Criteria: Ambry Variant Classification Scheme 2023. Collection method: clinical testing. Allele origin: germline.

Labcorp Genetics (formerly Invitae), Labcorp
Classification: Uncertain significance. Last evaluated: 2023-01-23. Review status: criteria provided, single submitter. Criteria: Invitae Variant Classification Sherloc (09022015). Collection method: clinical testing. Allele origin: germline.
Comment: In summary, the available evidence is currently insufficient to determine the role of this variant in disease. Therefore, it has been classified as a Variant of Uncertain Significance. Advanced modeling of protein sequence and biophysical properties (such as structural, functional, and spatial information, amino acid conservation, physicochemical variation, residue mobility, and thermodynamic stability) performed at Invitae indicates that this missense variant is not expected to disrupt KAT6A protein function. This sequence change replaces arginine, which is basic and polar, with tryptophan, which is neutral and slightly polar, at codon 998 of the KAT6A protein (p.Arg998Trp). The frequency data for this variant in the population databases is considered unreliable, as metrics indicate poor data quality at this position in the gnomAD database. This variant has not been reported in the literature in individuals affected with KAT6A-related conditions.

NM_006766.5(KAT6A):c.2992C>T (p.Arg998Trp)

Gene: KAT6A (lysine acetyltransferase 6A; minus strand). Cytogenetic location: 8p11.21.
Variant type: single nucleotide variant.
Coding change: c.2992C>T on transcript NM_006766.5 (MANE Select); coding-DNA position 2992, C replaced by T.
Protein change: p.Arg998Trp; replaces arginine 998 with tryptophan.
Molecular consequence: missense variant.
Genome position (GRCh38, 1-based): chr8:41,940,889, G>A on the plus strand (C>T on the coding strand, the complement: KAT6A is on the minus strand). VCF-style: chr8-41940889-G-A. GRCh37 (hg19) VCF-style: chr8-41798407-G-A.
Other names: c.2992C>T (NM_006766.3); short protein forms R998W.
Identifiers: ClinVar variation 2712595 (VCV002712595.4), dbSNP rs777413662, ClinGen allele CA4729785.